The following is an entry in ClinVar:

ClinVar aggregate classification (germline): Uncertain significance (1 of 4 stars; one submission).

Conditions:
Myopathy, proximal, and ophthalmoplegia (CMYO6). Also called: MYOPATHY WITH CONGENITAL JOINT CONTRACTURES, OPHTHALMOPLEGIA, AND RIMMED VACUOLES; INCLUSION BODY MYOPATHY 3, AUTOSOMAL DOMINANT; CONGENITAL MYOPATHY 6 WITH OPHTHALMOPLEGIA. Identifiers: Orphanet 363677, Orphanet 79091, MedGen C1854106, MONDO:0011577, OMIM 605637.

Allele frequency attached by ClinVar (database versions not stated): gnomAD 0.00001; gnomAD exomes 0.00001; TOPMed 0.00001; ExAC 0.00002.
gnomAD v4.1: 15 of 1,614,046 alleles (0.00093%); highest among the groups gnomAD compares: African/African-American, 0.0053%; no homozygotes.

Submission:

Labcorp Genetics (formerly Invitae), Labcorp
Classification: Uncertain significance for Myopathy, proximal, and ophthalmoplegia. Last evaluated: 2023-08-17. Review status: criteria provided, single submitter. Criteria: Invitae Variant Classification Sherloc (09022015). Collection method: clinical testing. Allele origin: germline.
Comment: In summary, the available evidence is currently insufficient to determine the role of this variant in disease. Therefore, it has been classified as a Variant of Uncertain Significance. Advanced modeling of protein sequence and biophysical properties (such as structural, functional, and spatial information, amino acid conservation, physicochemical variation, residue mobility, and thermodynamic stability) performed at Invitae indicates that this missense variant is expected to disrupt MYH2 protein function. ClinVar contains an entry for this variant (Variation ID: 1509651). This variant has not been reported in the literature in individuals affected with MYH2-related conditions. This variant is present in population databases (rs761573741, gnomAD 0.007%). This sequence change replaces aspartic acid, which is acidic and polar, with asparagine, which is neutral and polar, at codon 1456 of the MYH2 protein (p.Asp1456Asn).

NM_017534.6(MYH2):c.4366G>A (p.Asp1456Asn)

Genes: MYH2 (myosin heavy chain 2; minus strand), MYHAS (myosin heavy chain gene cluster antisense RNA; plus strand), LOC126862500 (BRD4-independent group 4 enhancer GRCh37_chr17:10427829-10429028; plus strand). Cytogenetic location: 17p13.1.
Variant type: single nucleotide variant.
Coding change: c.4366G>A on transcript NM_017534.6 (MANE Select); coding-DNA position 4366, G replaced by A.
Protein change: p.Asp1456Asn; replaces aspartic acid 1456 with asparagine.
Molecular consequence: missense variant.
Genome position (GRCh38, 1-based): chr17:10,525,698, C>T on the plus strand (G>A on the coding strand, the complement: MYH2 is on the minus strand). VCF-style: chr17-10525698-C-T. GRCh37 (hg19) VCF-style: chr17-10429015-C-T.
Other names: c.4366G>A, p.Asp1456Asn (NM_001100112.2); short protein forms D1456N.
Identifiers: ClinVar variation 1509651 (VCV001509651.8), dbSNP rs761573741, ClinGen allele CA8390655.